The following is an entry in ClinVar:

NM_000051.4(ATM):c.9071C>T (p.Thr3024Ile)

Genes: ATM (ATM serine/threonine kinase; plus strand), C11orf65 (chromosome 11 open reading frame 65; minus strand). Cytogenetic location: 11q22.3.
Variant type: single nucleotide variant.
Coding change: c.9071C>T on transcript NM_000051.4 (MANE Select); coding-DNA position 9071, C replaced by T.
Protein change: p.Thr3024Ile; replaces threonine 3024 with isoleucine.
Molecular consequence: missense variant. On other transcripts: intron variant (2).
Genome position (GRCh38, 1-based): chr11:108,365,408, C>T. VCF-style: chr11-108365408-C-T. GRCh37 (hg19) VCF-style: chr11-108236135-C-T.
Other names: p.Thr3024Ile; c.9071C>T, p.Thr3024Ile (NM_001351834.2); c.640+20512G>A (NM_001330368.2); c.694+20512G>A (NM_001351110.2); short protein forms T3024I.
Identifiers: ClinVar variation 186742 (VCV000186742.22), dbSNP rs786203183, ClinGen allele CA195730.
Genomic context (GRCh38, chr11:108,365,408, plus strand): 5'-AAGTAGCTGAACGTGTCTTAATGAGACTACAAGAGAAACTGAAAGGAGTGGAAGAAGGCA[C>T]TGTGCTCAGTGTTGGTGGACAAGTGAATTTGCTCATACAGCAGGCCATAGACCCCAAAAA-3'
Protein context (NP_000042.3, residues 3014-3034): QEKLKGVEEG[Thr3024Ile]VLSVGGQVNL

ClinVar aggregate classification (germline): Conflicting classifications of pathogenicity. Review status: criteria provided, conflicting classifications (1 of 4 stars). 6 submissions from 6 submitters: Uncertain significance (5); Likely benign (1). Last evaluated 2025-10-17.

Conditions:
Hereditary cancer-predisposing syndrome. Also called: Hereditary Cancer Syndrome; Tumor predisposition; Neoplastic Syndromes, Hereditary; Hereditary neoplastic syndrome. Identifiers: Orphanet 140162, MedGen C0027672, MeSH D009386, MONDO:0015356.
Ataxia-telangiectasia syndrome (AT). Also called: ATAXIA-TELANGIECTASIA, COMPLEMENTATION GROUP A; ATAXIA-TELANGIECTASIA, FRESNO VARIANT; Ataxia-telangiectasia; Ataxia-telangiectasia, complementation group E; Cerebello-oculocutaneous telangiectasia; Immunodeficiency with ataxia telangiectasia. Identifiers: Orphanet 100, MedGen C0004135, MONDO:0008840, OMIM 208900.

Allele frequency attached by ClinVar (database versions not stated): gnomAD 0.00001; TOPMed below 0.00001.
gnomAD v4.1: 14 of 1,614,068 alleles (0.00087%); highest among the groups gnomAD compares: Non-Finnish European, 0.0012%; no homozygotes.

Submissions (6):

Mayo Clinic Laboratories, Mayo Clinic
Classification: Uncertain significance. Last evaluated: 2025-10-17. Review status: criteria provided, single submitter. Criteria: ACMG Guidelines, 2015. Collection method: clinical testing. Allele origin: germline. Observed: 1 variant allele.
Comment: BP4_moderate, PM2_supporting

Labcorp Genetics (formerly Invitae), Labcorp
Classification: Uncertain significance for Ataxia-telangiectasia syndrome. Last evaluated: 2025-06-24. Review status: criteria provided, single submitter. Criteria: Invitae Variant Classification Sherloc (09022015). Collection method: clinical testing. Allele origin: germline.
Comment: This sequence change replaces threonine, which is neutral and polar, with isoleucine, which is neutral and non-polar, at codon 3024 of the ATM protein (p.Thr3024Ile). This variant is not present in population databases (gnomAD no frequency). This variant has not been reported in the literature in individuals affected with ATM-related conditions. ClinVar contains an entry for this variant (Variation ID: 186742). Invitae Evidence Modeling of protein sequence and biophysical properties (such as structural, functional, and spatial information, amino acid conservation, physicochemical variation, residue mobility, and thermodynamic stability) indicates that this missense variant is not expected to disrupt ATM protein function with a negative predictive value of 95%. In summary, the available evidence is currently insufficient to determine the role of this variant in disease. Therefore, it has been classified as a Variant of Uncertain Significance.

Ambry Genetics
Classification: Likely benign for Hereditary cancer-predisposing syndrome. Last evaluated: 2025-04-22. Review status: criteria provided, single submitter. Criteria: Ambry Variant Classification Scheme 2023. Collection method: clinical testing. Allele origin: germline.

Athena Diagnostics
Classification: Uncertain significance. Last evaluated: 2024-06-13. Review status: criteria provided, single submitter. Criteria: Athena Diagnostics Criteria. Collection method: clinical testing. Allele origin: unknown.
Comment: Available data are insufficient to determine the clinical significance of the variant at this time. The frequency of this variant in the general population is uninformative in assessment of its pathogenicity. Polyphen and MutationTaster predict this amino acid change may be benign.

Color Diagnostics, LLC DBA Color Health
Classification: Uncertain significance for Hereditary cancer-predisposing syndrome. Last evaluated: 2019-01-28. Review status: criteria provided, single submitter. Criteria: ACMG Guidelines, 2015. Collection method: clinical testing. Allele origin: germline.

GeneDx
Classification: Uncertain significance. Last evaluated: 2015-09-27. Review status: criteria provided, single submitter. Criteria: GeneDx Variant Classification (06012015). Collection method: clinical testing. Allele origin: germline. Affected: yes.
Comment: This variant is denoted ATM c.9071C>T at the cDNA level, p.Thr3024Ile (T3024I) at the protein level, and results in the change of a Threonine to an Isoleucine (ACT>ATT). This variant has not, to our knowledge, been published in the literature as being pathogenic or benign. ATM Thr3024Ile was not observed in approximately 6,500 individuals of European and African American ancestry in the NHLBI Exome Sequencing Project, indicating it is not a common benign variant in these populations. Since Threonine and Isoleucine differ in polarity, charge, size or other properties, this is considered a non-conservative amino acid substitution. ATM Thr3024Ile occurs at a position that is conserved in mammals and is located in the FATC domain (Stracker 2013, Tavtigian 2009). In silico analyses are inconsistent regarding the effect this variant may have on protein structure and function. Based on currently available evidence, it is unclear whether ATM Thr3024Ile is pathogenic or benign.

Literature cited by the submitters: PubMed 33471991 (cited by Athena Diagnostics); PubMed 28779002 (cited by Athena Diagnostics); PubMed 26677030 (cited by Athena Diagnostics); PubMed 26010451 (cited by Athena Diagnostics).